The following is an entry in ClinVar:

ClinVar aggregate classification (germline): Uncertain significance (1 of 4 stars; one submission).

Submission:

Labcorp Genetics (formerly Invitae), Labcorp
Classification: Uncertain significance. Last evaluated: 2023-07-07. Review status: criteria provided, single submitter. Criteria: Invitae Variant Classification Sherloc (09022015). Collection method: clinical testing. Allele origin: germline.
Comment: In summary, the available evidence is currently insufficient to determine the role of this variant in disease. Therefore, it has been classified as a Variant of Uncertain Significance. Advanced modeling of protein sequence and biophysical properties (such as structural, functional, and spatial information, amino acid conservation, physicochemical variation, residue mobility, and thermodynamic stability) performed at Invitae indicates that this missense variant is not expected to disrupt PGK1 protein function. This variant has not been reported in the literature in individuals affected with PGK1-related conditions. This variant is not present in population databases (gnomAD no frequency). This sequence change replaces glycine, which is neutral and non-polar, with arginine, which is basic and polar, at codon 16 of the PGK1 protein (p.Gly16Arg).

NM_000291.4(PGK1):c.46G>A (p.Gly16Arg)

Gene: PGK1 (phosphoglycerate kinase 1; plus strand). Cytogenetic location: Xq21.1.
Variant type: single nucleotide variant.
Coding change: c.46G>A on transcript NM_000291.4 (MANE Select); coding-DNA position 46, G replaced by A.
Protein change: p.Gly16Arg; replaces glycine 16 with arginine.
Molecular consequence: missense variant.
Genome position (GRCh38, 1-based): chrX:78,104,386, G>A. VCF-style: chrX-78104386-G-A. GRCh37 (hg19) VCF-style: chrX-77359883-G-A.
Other names: short protein forms G16R.
Identifiers: ClinVar variation 2723608 (VCV002723608.3), dbSNP rs2522470537, ClinGen allele CA413716398.